The following is an entry in ClinVar:

NM_173630.4(RTTN):c.1981G>A (p.Gly661Arg)

Gene: RTTN (rotatin; minus strand). Cytogenetic location: 18q22.2.
Variant type: single nucleotide variant.
Coding change: c.1981G>A on transcript NM_173630.4 (MANE Select); coding-DNA position 1981, G replaced by A.
Protein change: p.Gly661Arg; replaces glycine 661 with arginine.
Molecular consequence: missense variant. On other transcripts: 5 prime UTR variant (1).
Genome position (GRCh38, 1-based): chr18:70,150,682, C>T on the plus strand (G>A on the coding strand, the complement: RTTN is on the minus strand). VCF-style: chr18-70150682-C-T. GRCh37 (hg19) VCF-style: chr18-67817918-C-T.
Other names: c.-667G>A (NM_001318520.2); short protein forms G661R.
Identifiers: ClinVar variation 4074574 (VCV004074574.1).
Genomic context (GRCh38, chr18:70,150,682, plus strand): 5'-CTTGAATGCCAAATACAGAGATTTCATACAGAACTTTTGGATGAAGTAGAAAATGAATTC[C>T]ATTGCAAAGTGAAGACACGGGTTTAGTGACATTATGGACACCTAAACATTCCTGTAAAAT-3'
Protein context (NP_775901.3, residues 651-671): VTKPVSSLCN[Gly661Arg]IHFLLHPKVL

ClinVar aggregate classification (germline): Uncertain significance (1 of 4 stars; one submission).

gnomAD v4.1: 1 of 1,610,698 alleles (0.000062%); highest among the groups gnomAD compares: African/African-American, 0.0013%; no homozygotes.

Submission:

GeneDx
Classification: Uncertain significance. Last evaluated: 2025-02-07. Review status: criteria provided, single submitter. Criteria: GeneDx Variant Classification Process June 2021. Collection method: clinical testing. Allele origin: germline. Affected: yes.
Comment: Not observed at significant frequency in large population cohorts (gnomAD); In silico analysis indicates that this missense variant does not alter protein structure/function; In silico analysis suggests this variant may impact gene splicing. In the absence of RNA/functional studies, the actual effect of this sequence change is unknown.; Has not been previously published as pathogenic or benign to our knowledge